The following is an entry in ClinVar:

NM_018136.5(ASPM):c.1615_1616del (p.Glu539fs)

Gene: ASPM (assembly factor for spindle microtubules; minus strand). Cytogenetic location: 1q31.3.
Variant type: Deletion.
Coding change: c.1615_1616del on transcript NM_018136.5 (MANE Select); coding-DNA positions 1615 to 1616, 2 bases deleted (GA; older notation c.1615_1616delGA).
Protein change: p.Glu539fs; shifts the reading frame from glutamic acid 539.
Molecular consequence: frameshift variant.
Genome position (GRCh38, 1-based): chr1:197,142,636-197,142,637, TC deleted on the plus strand (GA on the coding strand, the reverse complement: ASPM is on the minus strand); deleting any 2 consecutive bases within chr1:197,142,636-197,142,638 gives the same sequence; the c. name uses the placement nearest the transcript's 3' end. VCF-style (leftmost placement, unchanged base first): chr1-197142635-TTC-T. GRCh37 (hg19) VCF-style: chr1-197111765-TTC-T.
Other names: c.1615_1616del, p.Glu539fs (NM_001206846.2); short protein forms E539fs.
Identifiers: ClinVar variation 1072719 (VCV001072719.2), dbSNP rs1285151453, ClinGen allele CA729722287.

ClinVar aggregate classification (germline): Pathogenic (1 of 4 stars; one submission).

Submission:

Labcorp Genetics (formerly Invitae), Labcorp
Classification: Pathogenic. Last evaluated: 2018-05-05. Review status: criteria provided, single submitter. Criteria: Invitae Variant Classification Sherloc (09022015). Collection method: clinical testing. Allele origin: germline.
Comment: This sequence change creates a premature translational stop signal (p.Glu539Argfs*15) in the ASPM gene. It is expected to result in an absent or disrupted protein product. This variant is not present in population databases (ExAC no frequency). This variant has not been reported in the literature in individuals with ASPM-related disease. Loss-of-function variants in ASPM are known to be pathogenic (PMID: 19028728, 23611254). For these reasons, this variant has been classified as Pathogenic.

Literature cited by the submitters: PubMed 19028728; PubMed 23611254.